The following is an entry in ClinVar:

ClinVar aggregate classification (germline): Uncertain significance (1 of 4 stars; one submission).

Submission:

Labcorp Genetics (formerly Invitae), Labcorp
Classification: Uncertain significance. Last evaluated: 2025-10-07. Review status: criteria provided, single submitter. Criteria: Invitae Variant Classification Sherloc (09022015). Collection method: clinical testing. Allele origin: germline.
Comment: This sequence change replaces aspartic acid, which is acidic and polar, with alanine, which is neutral and non-polar, at codon 202 of the RELB protein (p.Asp202Ala). This variant is not present in population databases (gnomAD no frequency). This variant has not been reported in the literature in individuals affected with RELB-related conditions. An algorithm developed to predict the effect of missense changes on protein structure and function (PolyPhen-2) suggests that this variant is likely to be disruptive. In summary, the available evidence is currently insufficient to determine the role of this variant in disease. Therefore, it has been classified as a Variant of Uncertain Significance.

NM_006509.4(RELB):c.605A>C (p.Asp202Ala)

Gene: RELB (RELB proto-oncogene, NF-kB subunit; plus strand). Cytogenetic location: 19q13.32.
Variant type: single nucleotide variant.
Coding change: c.605A>C on transcript NM_006509.4 (MANE Select); coding-DNA position 605, A replaced by C.
Protein change: p.Asp202Ala; replaces aspartic acid 202 with alanine.
Molecular consequence: missense variant.
Genome position (GRCh38, 1-based): chr19:45,022,153, A>C. VCF-style: chr19-45022153-A-C. GRCh37 (hg19) VCF-style: chr19-45525411-A-C.
Other names: c.596A>C, p.Asp199Ala (NM_001411087.1); short protein forms D202A, D199A.
Identifiers: ClinVar variation 4728587 (VCV004728587.1).
Genomic context (GRCh38, chr19:45,022,153, plus strand): 5'-CCTGCCTGGTGTGGAAGGACTGGCCTCACCGAGTCCACCCCCACAGCCTCGTGGGGAAAG[A>C]CTGCACCGACGGCATCTGCAGGGTGCGGCTCCGGCCTCACGTCAGCCCCCGGCACAGGTA-3'
Protein context (NP_006500.2, residues 192-212): RVHPHSLVGK[Asp202Ala]CTDGICRVRL